The following is an entry in ClinVar:

ClinVar aggregate classification (germline): Pathogenic (1 of 4 stars; one submission).

Submission:

Seattle Children's Hospital Molecular Genetics Laboratory, Seattle Children's Hospital
Classification: Pathogenic. Last evaluated: 2021-01-29. Review status: criteria provided, single submitter. Criteria: ACMG Guidelines, 2015. Collection method: clinical testing. Allele origin: germline. Affected: yes.
Comment: Exon-level microarray analysis identified an approximately 365 Kb deletion in 16q24.1 including the FOXF1 gene and its upstream regulatory region, including the non-coding RNA genes LINC01081 and LINC01082. Due to the nature of this array platform, with probes concentrated within exons, the actual deletion may extend into flanking intergenic regions, but it does not appear to include the neighboring FOXC2 gene.

Single allele

Genes: FENDRR (FOXF1 adjacent non-coding developmental regulatory RNA; minus strand), FOXF1 (forkhead box F1; plus strand), LINC01082 (long intergenic non-protein coding RNA 1082; plus strand), MTHFSD (methenyltetrahydrofolate synthetase domain containing; minus strand). Cytogenetic location: 16q24.1.
Variant type: Deletion.
Identifiers: ClinVar variation 1691362 (VCV001691362.2).